The following is an entry in ClinVar:

ClinVar aggregate classification (germline): Pathogenic (1 of 4 stars; one submission).

Submission:

Labcorp Genetics (formerly Invitae), Labcorp
Classification: Pathogenic. Last evaluated: 2021-08-12. Review status: criteria provided, single submitter. Criteria: Invitae Variant Classification Sherloc (09022015). Collection method: clinical testing. Allele origin: germline.
Comment: This variant results in a copy number gain of the genomic region encompassing exon(s) 7 of the PRKN gene. While the exact position of this variant cannot be determined from the data, sub-genic copy number gains are generally in tandem (PMID: 25640679). This variant is predicted to be out-of-frame, and may result in an absent or disrupted protein product. Loss-of-function variants in PRKN are known to be pathogenic (PMID: 10072423, 20301651, 22956510). A similar copy number variant has been observed in individual(s) with early-onset Parkinson‚Äôs disease (PMID: 11889248, 21993715). In at least one individual the data is consistent with the variant being in trans (on the opposite chromosome) from a pathogenic variant. It has also been observed to segregate with disease in related individuals. For these reasons, this variant has been classified as Pathogenic.

Literature cited by the submitters: PubMed 25640679; PubMed 10072423; PubMed 20301651; PubMed 22956510; PubMed 11889248; PubMed 21993715.

NC_000006.11:g.(?_162206794)_(162206950_?)dup

Gene: PRKN (parkin RBR E3 ubiquitin protein ligase; minus strand). Cytogenetic location: 6q26.
Variant type: Duplication.
Identifiers: ClinVar variation 657369 (VCV000657369.7).